The following is an entry in ClinVar:

ClinVar aggregate classification (germline): Uncertain significance (1 of 4 stars; one submission).

Conditions:
Hereditary cancer-predisposing syndrome. Also called: Neoplastic Syndromes, Hereditary; Tumor predisposition; Hereditary Cancer Syndrome; Hereditary neoplastic syndrome. Identifiers: Orphanet 140162, MedGen C0027672, MeSH D009386, MONDO:0015356.

Allele frequency attached by ClinVar (database versions not stated): gnomAD exomes below 0.00001; ExAC 0.00001.
gnomAD v4.1: 4 of 1,613,644 alleles (0.00025%); highest among the groups gnomAD compares: Admixed American, 0.0017%; no homozygotes.

Submission:

Ambry Genetics
Classification: Uncertain significance for Hereditary cancer-predisposing syndrome. Last evaluated: 2015-07-29. Review status: criteria provided, single submitter. Criteria: Ambry Variant Classification Scheme 2023. Collection method: clinical testing. Allele origin: germline.
Comment: The p.P88L variant (also known as c.263C>T), located in coding exon 3 of the MRE11A gene, results from a C to T substitution at nucleotide position 263. The proline at codon 88 is replaced by leucine, an amino acid with similar properties. This variant was not reported in population based cohorts in the following databases: Database of Single Nucleotide Polymorphisms (dbSNP), NHLBI Exome Sequencing Project (ESP), and 1000 Genomes Project. In the ESP, this variant was not observed in 6499 samples (12998 alleles) with coverage at this position. To date, this alteration has been detected with an allele frequency of approximately 0.002% (greater than 65000 alleles tested) in our clinical cohort. This amino acid position is highly conserved in available vertebrate species. In addition, this alteration is predicted to be deleterious by in silico analysis. Since supporting evidence is limited at this time, the clinical significance of p.P88L remains unclear.

NM_005591.4(MRE11):c.263C>T (p.Pro88Leu)

Gene: MRE11 (MRE11 double strand break repair nuclease; minus strand). Cytogenetic location: 11q21.
Variant type: single nucleotide variant.
Coding change: c.263C>T on transcript NM_005591.4 (MANE Select); coding-DNA position 263, C replaced by T.
Protein change: p.Pro88Leu; replaces proline 88 with leucine.
Molecular consequence: missense variant.
Genome position (GRCh38, 1-based): chr11:94,485,975, G>A on the plus strand (C>T on the coding strand, the complement: MRE11 is on the minus strand). VCF-style: chr11-94485975-G-A. GRCh37 (hg19) VCF-style: chr11-94219141-G-A.
Other names: c.263C>T, p.Pro88Leu (NM_001330347.2, NM_005590.4); short protein forms P88L.
Identifiers: ClinVar variation 233225 (VCV000233225.5), dbSNP rs765054397, ClinGen allele CA6235432.
Genomic context (GRCh38, chr11:94,485,975, plus strand): 5'-TATACTTACTTACTAAAACCAAAGTTGACTGACTGATCACTGAGAATTTCAAACTGGACA[G>A]GCCGATCACCCATACAATATTTTCTTAATAACTCGAGGCAGGTATGTAATGTTTTCCTTG-3'
Protein context (NP_005582.1, residues 78-98): LLRKYCMGDR[Pro88Leu]VQFEILSDQS